The following is an entry in ClinVar:

ClinVar aggregate classification (germline): Uncertain significance (1 of 4 stars; one submission).

gnomAD v4.1: 1 of 1,610,914 alleles (0.000062%); highest among the groups gnomAD compares: Non-Finnish European, 0.000085%; no homozygotes.

Submission:

Labcorp Genetics (formerly Invitae), Labcorp
Classification: Uncertain significance. Last evaluated: 2025-05-15. Review status: criteria provided, single submitter. Criteria: Invitae Variant Classification Sherloc (09022015). Collection method: clinical testing. Allele origin: germline.
Comment: This sequence change replaces threonine, which is neutral and polar, with alanine, which is neutral and non-polar, at codon 540 of the SLCO5A1 protein (p.Thr540Ala). The frequency data for this variant in the population databases is considered unreliable, as metrics indicate poor data quality at this position in the gnomAD database. This variant has not been reported in the literature in individuals affected with SLCO5A1-related conditions. ClinVar contains an entry for this variant (Variation ID: 3690174). An algorithm developed to predict the effect of missense changes on protein structure and function (PolyPhen-2) suggests that this variant is likely to be tolerated. In summary, the available evidence is currently insufficient to determine the role of this variant in disease. Therefore, it has been classified as a Variant of Uncertain Significance.

NM_030958.3(SLCO5A1):c.1618A>G (p.Thr540Ala)

Gene: SLCO5A1 (solute carrier organic anion transporter family member 5A1; minus strand). Cytogenetic location: 8q13.3.
Variant type: single nucleotide variant.
Coding change: c.1618A>G on transcript NM_030958.3 (MANE Select); coding-DNA position 1618, A replaced by G.
Protein change: p.Thr540Ala; replaces threonine 540 with alanine.
Molecular consequence: missense variant.
Genome position (GRCh38, 1-based): chr8:69,705,035, T>C on the plus strand (A>G on the coding strand, the complement: SLCO5A1 is on the minus strand). VCF-style: chr8-69705035-T-C. GRCh37 (hg19) VCF-style: chr8-70617270-T-C.
Other names: c.1618A>G, p.Thr540Ala (NM_001146008.2); c.1453A>G, p.Thr485Ala (NM_001146009.1); short protein forms T485A, T540A.
Identifiers: ClinVar variation 3690174 (VCV003690174.2).